The following is an entry in ClinVar:

NM_152564.5(VPS13B):c.7687C>G (p.Leu2563Val)

Gene: VPS13B (vacuolar protein sorting 13 homolog B; plus strand). Cytogenetic location: 8q22.2.
Variant type: single nucleotide variant.
Coding change: c.7687C>G on transcript NM_152564.5 (MANE Select); coding-DNA position 7687, C replaced by G.
Protein change: p.Leu2563Val; replaces leucine 2563 with valine.
Molecular consequence: missense variant.
Genome position (GRCh38, 1-based): chr8:99,778,939, C>G. VCF-style: chr8-99778939-C-G. GRCh37 (hg19) VCF-style: chr8-100791167-C-G.
Other names: c.7762C>G, p.Leu2588Val (NM_017890.5); short protein forms L2563V, L2588V.
Identifiers: ClinVar variation 910362 (VCV000910362.6), dbSNP rs1451188144, ClinGen allele CA371876502.

ClinVar aggregate classification (germline): Uncertain significance. Review status: criteria provided, multiple submitters, no conflicts (2 of 4 stars). 2 submissions from 2 submitters: Uncertain significance (2). Last evaluated 2025-01-13.

Conditions:
Cohen syndrome (COH1). Also called: PEPPER SYNDROME; Cutis verticis gyrata, retinitis pigmentosa, and sensorineural deafness. Identifiers: Orphanet 193, MedGen C0265223, MONDO:0008999, OMIM 216550.

Allele frequency attached by ClinVar (database versions not stated): TOPMed below 0.00001; gnomAD 0.00001.
gnomAD v4.1: 32 of 1,613,832 alleles (0.002%); highest among the groups gnomAD compares: East Asian, 0.071%; no homozygotes.

Submissions (2):

Labcorp Genetics (formerly Invitae), Labcorp
Classification: Uncertain significance for Cohen syndrome. Last evaluated: 2025-01-13. Review status: criteria provided, single submitter. Criteria: Invitae Variant Classification Sherloc (09022015). Collection method: clinical testing. Allele origin: germline.
Comment: This sequence change replaces leucine, which is neutral and non-polar, with valine, which is neutral and non-polar, at codon 2588 of the VPS13B protein (p.Leu2588Val). This variant is not present in population databases (gnomAD no frequency). This variant has not been reported in the literature in individuals affected with VPS13B-related conditions. ClinVar contains an entry for this variant (Variation ID: 910362). Invitae Evidence Modeling of protein sequence and biophysical properties (such as structural, functional, and spatial information, amino acid conservation, physicochemical variation, residue mobility, and thermodynamic stability) indicates that this missense variant is not expected to disrupt VPS13B protein function with a negative predictive value of 80%. In summary, the available evidence is currently insufficient to determine the role of this variant in disease. Therefore, it has been classified as a Variant of Uncertain Significance.

Illumina Laboratory Services, Illumina
Classification: Uncertain significance for Cohen syndrome. Last evaluated: 2018-01-13. Review status: criteria provided, single submitter. Criteria: ICSL Variant Classification Criteria 13 December 2019. Collection method: clinical testing. Allele origin: germline.